The following is an entry in ClinVar:

ClinVar aggregate classification (germline): Uncertain significance (1 of 4 stars; one submission).

Conditions:
Joubert syndrome. Also called: CEREBELLOPARENCHYMAL DISORDER IV; JOUBERT-BOLTSHAUSER SYNDROME; Familial aplasia of the vermis. Identifiers: Orphanet 475, MedGen C5979921, MONDO:0018772.
Nephronophthisis. Also called: Juvenile Nephronophthisis. Identifiers: Orphanet 655, MedGen C0687120, MONDO:0019005, HP:0000090.
Meckel-Gruber syndrome. Also called: DYSENCEPHALIA SPLANCHNOCYSTICA; GRUBER SYNDROME; Dysencephalia splachnocystica. Identifiers: Orphanet 564, MedGen C0265215, MONDO:0018921.

Allele frequency attached by ClinVar (database versions not stated): gnomAD exomes below 0.00001; TOPMed below 0.00001.
gnomAD v4.1: 1 of 1,361,168 alleles (0.000073%); highest among the groups gnomAD compares: Non-Finnish European, 0.0001%; no homozygotes.

Submission:

Labcorp Genetics (formerly Invitae), Labcorp
Classification: Uncertain significance for Joubert syndrome; Meckel-Gruber syndrome; Nephronophthisis. Last evaluated: 2023-07-10. Review status: criteria provided, single submitter. Criteria: Invitae Variant Classification Sherloc (09022015). Collection method: clinical testing. Allele origin: germline.
Comment: This sequence change replaces leucine, which is neutral and non-polar, with valine, which is neutral and non-polar, at codon 1798 of the CEP290 protein (p.Leu1798Val). In summary, the available evidence is currently insufficient to determine the role of this variant in disease. Therefore, it has been classified as a Variant of Uncertain Significance. Advanced modeling of protein sequence and biophysical properties (such as structural, functional, and spatial information, amino acid conservation, physicochemical variation, residue mobility, and thermodynamic stability) has been performed at Invitae for this missense variant, however the output from this modeling did not meet the statistical confidence thresholds required to predict the impact of this variant on CEP290 protein function. ClinVar contains an entry for this variant (Variation ID: 2054947). This variant has not been reported in the literature in individuals affected with CEP290-related conditions. This variant is present in population databases (no rsID available, gnomAD 0.002%).

NM_025114.4(CEP290):c.5392C>G (p.Leu1798Val)

Gene: CEP290 (centrosomal protein 290; minus strand). Cytogenetic location: 12q21.32.
Variant type: single nucleotide variant.
Coding change: c.5392C>G on transcript NM_025114.4 (MANE Select); coding-DNA position 5392, C replaced by G.
Protein change: p.Leu1798Val; replaces leucine 1798 with valine.
Molecular consequence: missense variant.
Genome position (GRCh38, 1-based): chr12:88,077,891, G>C on the plus strand (C>G on the coding strand, the complement: CEP290 is on the minus strand). VCF-style: chr12-88077891-G-C. GRCh37 (hg19) VCF-style: chr12-88471668-G-C.
Other names: short protein forms L1798V.
Identifiers: ClinVar variation 2054947 (VCV002054947.4), dbSNP rs1232064286, ClinGen allele CA385989210.